The following is an entry in ClinVar:

ClinVar aggregate classification (germline): Uncertain significance (1 of 4 stars; one submission).

Allele frequency attached by ClinVar (database versions not stated): gnomAD 0.00001; gnomAD exomes 0.00004; TOPMed 0.00004.
gnomAD v4.1: 63 of 1,614,122 alleles (0.0039%); highest among the groups gnomAD compares: African/African-American, 0.013%; no homozygotes.

Submission:

Labcorp Genetics (formerly Invitae), Labcorp
Classification: Uncertain significance. Last evaluated: 2023-11-19. Review status: criteria provided, single submitter. Criteria: Invitae Variant Classification Sherloc (09022015). Collection method: clinical testing. Allele origin: germline.
Comment: This sequence change replaces methionine, which is neutral and non-polar, with threonine, which is neutral and polar, at codon 972 of the EPHA4 protein (p.Met972Thr). This variant is present in population databases (rs757397148, gnomAD 0.007%). This variant has not been reported in the literature in individuals affected with EPHA4-related conditions. An algorithm developed to predict the effect of missense changes on protein structure and function (PolyPhen-2) suggests that this variant is likely to be disruptive. In summary, the available evidence is currently insufficient to determine the role of this variant in disease. Therefore, it has been classified as a Variant of Uncertain Significance.

NM_004438.5(EPHA4):c.2915T>C (p.Met972Thr)

Genes: EPHA4 (EPH receptor A4; minus strand), LOC126806527 (BRD4-independent group 4 enhancer GRCh37_chr2:222289669-222290868; plus strand). Cytogenetic location: 2q36.1.
Variant type: single nucleotide variant.
Coding change: c.2915T>C on transcript NM_004438.5 (MANE Select); coding-DNA position 2915, T replaced by C.
Protein change: p.Met972Thr; replaces methionine 972 with threonine.
Molecular consequence: missense variant. On other transcripts: 3 prime UTR variant (1).
Genome position (GRCh38, 1-based): chr2:221,426,074, A>G on the plus strand (T>C on the coding strand, the complement: EPHA4 is on the minus strand). VCF-style: chr2-221426074-A-G. GRCh37 (hg19) VCF-style: chr2-222290794-A-G.
Other names: c.2915T>C, p.Met972Thr (NM_001304536.2); c.2762T>C, p.Met921Thr (NM_001304537.2); c.*94T>C (NM_001363748.2); short protein forms M972T, M921T.
Identifiers: ClinVar variation 2987572 (VCV002987572.3), dbSNP rs757397148, ClinGen allele CA65607478.